The following is an entry in ClinVar:

NM_004804.3(CIAO1):c.194_203del (p.Arg65fs)

Gene: CIAO1 (cytosolic iron-sulfur assembly component 1; plus strand). Cytogenetic location: 2q11.2.
Variant type: Deletion.
Coding change: c.194_203del on transcript NM_004804.3 (MANE Select); coding-DNA positions 194 to 203, 10 bases deleted (GGAAGGTAGC; older notation c.194_203delGGAAGGTAGC).
Protein change: p.Arg65fs; shifts the reading frame from arginine 65.
Molecular consequence: frameshift variant.
Genome position (GRCh38, 1-based): chr2:96,267,375-96,267,384, GGAAGGTAGC deleted; deleting any 10 consecutive bases within chr2:96,267,373-96,267,384 gives the same sequence; the c. name uses the placement nearest the transcript's 3' end. VCF-style (leftmost placement, unchanged base first): chr2-96267372-TGCGGAAGGTA-T. GRCh37 (hg19) VCF-style: chr2-96933110-TGCGGAAGGTA-T.
Other names: short protein forms R65fs.
Identifiers: ClinVar variation 4849678 (VCV004849678.1).

ClinVar aggregate classification (germline): Uncertain significance (1 of 4 stars; one submission).

Conditions:
Multiple mitochondrial dysfunctions syndrome 10. Identifiers: MedGen C5975413, MONDO:0975806, OMIM 620960.

Submission:

Diagnostics Services (NGS), CSIR - Centre For Cellular And Molecular Biology
Classification: Uncertain significance for Multiple mitochondrial dysfunctions syndrome 10. Last evaluated: 2026-01-08. Review status: criteria provided, single submitter. Criteria: ACMG Guidelines, 2015. Collection method: clinical testing. Allele origin: germline. Affected: yes. Observed: 1 variant allele, 1 heterozygote.
Comment: The c.194_203del variant is not present in publicly available population databases like 1000 Genomes, EVS, gnomAD, Indian Exome Database or our internal database. This variant has neither been published in the literature for CIAO1-related conditions nor reported to the clinical databases like Human Genome Mutation Database (HGMD), OMIM, or ClinVar, in any affected individuals. In-silico pathogenicity prediction programs like MutationTaster2, CADD, etc predicted this variant to be likely deleterious. This variant causes frameshift at the 65th amino acid position of the wild-type transcript that creates a premature translational stop signal at the altered transcript that may either result in translation of a truncated protein or cause nonsense mediated decay of the mRNA.